The following is an entry in ClinVar:

NM_018847.4(KLHL9):c.68C>T (p.Thr23Ile)

Gene: KLHL9 (kelch like family member 9; minus strand). Cytogenetic location: 9p21.3.
Variant type: single nucleotide variant.
Coding change: c.68C>T on transcript NM_018847.4 (MANE Select); coding-DNA position 68, C replaced by T.
Protein change: p.Thr23Ile; replaces threonine 23 with isoleucine.
Molecular consequence: missense variant.
Genome position (GRCh38, 1-based): chr9:21,334,792, G>A on the plus strand (C>T on the coding strand, the complement: KLHL9 is on the minus strand). VCF-style: chr9-21334792-G-A. GRCh37 (hg19) VCF-style: chr9-21334791-G-A.
Other names: short protein forms T23I.
Identifiers: ClinVar variation 2056162 (VCV002056162.4), dbSNP rs151077481, ClinGen allele CA5010704.
Genomic context (GRCh38, chr9:21,334,792, plus strand): 5'-AGCTGATCAAAGCCTTGCAATACCACCGAACTGTGAGTATTGCTGGTAAAAAAGCGTGTG[G>A]TTCCTGCCTTACAAGGCTGCAAATGGGCAGAGACGCCCATTTCGCCGTTACCAAGGGACA-3'
Protein context (NP_061335.1, residues 13-33): SAHLQPCKAG[Thr23Ile]TRFFTSNTHS

ClinVar aggregate classification (germline): Uncertain significance (1 of 4 stars; one submission).

Allele frequency attached by ClinVar (database versions not stated): ExAC 0.00002; gnomAD 0.00005; gnomAD exomes 0.00005; TOPMed 0.00005; ESP Exome Variant Server 0.00015.

Submission:

Labcorp Genetics (formerly Invitae), Labcorp
Classification: Uncertain significance. Last evaluated: 2025-02-15. Review status: criteria provided, single submitter. Criteria: Invitae Variant Classification Sherloc (09022015). Collection method: clinical testing. Allele origin: germline.
Comment: This sequence change replaces threonine, which is neutral and polar, with isoleucine, which is neutral and non-polar, at codon 23 of the KLHL9 protein (p.Thr23Ile). This variant is present in population databases (rs151077481, gnomAD 0.005%). This variant has not been reported in the literature in individuals affected with KLHL9-related conditions. ClinVar contains an entry for this variant (Variation ID: 2056162). An algorithm developed to predict the effect of missense changes on protein structure and function (PolyPhen-2) suggests that this variant is likely to be tolerated. In summary, the available evidence is currently insufficient to determine the role of this variant in disease. Therefore, it has been classified as a Variant of Uncertain Significance.